The following is an entry in ClinVar:

NM_001012339.3(DNAJC21):c.97+2T>C

Genes: DNAJC21 (DnaJ heat shock protein family (Hsp40) member C21; plus strand), LOC129993792 (ATAC-STARR-seq lymphoblastoid silent region 15969; plus strand). Cytogenetic location: 5p13.2.
Variant type: single nucleotide variant.
Coding change: c.97+2T>C on transcript NM_001012339.3 (MANE Select); the canonical splice donor site of the intron after coding-DNA position 97, T replaced by C.
Molecular consequence: splice donor variant.
Genome position (GRCh38, 1-based): chr5:34,929,918, T>C. VCF-style: chr5-34929918-T-C. GRCh37 (hg19) VCF-style: chr5-34930023-T-C.
Other names: c.97+2T>C (NM_001348420.2, NM_194283.4).
Identifiers: ClinVar variation 4713723 (VCV004713723.1).

ClinVar aggregate classification (germline): Likely pathogenic (1 of 4 stars; one submission).

Submission:

Labcorp Genetics (formerly Invitae), Labcorp
Classification: Likely pathogenic. Last evaluated: 2025-02-23. Review status: criteria provided, single submitter. Criteria: Invitae Variant Classification Sherloc (09022015). Collection method: clinical testing. Allele origin: germline.
Comment: This sequence change affects a donor splice site in intron 1 of the DNAJC21 gene. It is expected to disrupt RNA splicing. Variants that disrupt the donor or acceptor splice site typically lead to a loss of protein function (PMID: 16199547), and loss-of-function variants in DNAJC21 are known to be pathogenic (PMID: 27346687, 28062395). This variant is not present in population databases (gnomAD no frequency). This variant has not been reported in the literature in individuals affected with DNAJC21-related conditions. Algorithms developed to predict the effect of sequence changes on RNA splicing suggest that this variant may disrupt the consensus splice site. In summary, the currently available evidence indicates that the variant is pathogenic, but additional data are needed to prove that conclusively. Therefore, this variant has been classified as Likely Pathogenic.

Literature cited by the submitters: PubMed 16199547; PubMed 27346687; PubMed 28062395.